The following is an entry in ClinVar:

ClinVar aggregate classification (germline): Conflicting classifications of pathogenicity. Review status: criteria provided, conflicting classifications (1 of 4 stars). 5 submissions from 5 submitters: Uncertain significance (1); Benign (1); Likely benign (2). 1 of the submissions does not count toward it. Last evaluated 2026-01-06.

Conditions:
Cardiovascular phenotype. Identifiers: MedGen CN230736.
JAG1-related disorder. Also called: JAG1-related disorders; JAG1-related condition.
Alagille syndrome due to a JAG1 point mutation. Also called: JAG1-Related Alagille Syndrome; Alagille Syndrome 1; HEPATIC DUCTULAR HYPOPLASIA, SYNDROMATIC. Identifiers: Orphanet 261619, Orphanet 52, MedGen C1956125, MONDO:0016862, OMIM 118450.

Allele frequency attached by ClinVar (database versions not stated): 1000 Genomes Project 0.00020; gnomAD 0.00023 and 0.00024; TOPMed 0.00025; 1000 Genomes Project 30x 0.00031; ESP Exome Variant Server 0.00046.

Submissions (5):

Labcorp Genetics (formerly Invitae), Labcorp
Classification: Likely benign for Alagille syndrome due to a JAG1 point mutation. Last evaluated: 2026-01-06. Review status: criteria provided, single submitter. Criteria: Invitae Variant Classification Sherloc (09022015). Collection method: clinical testing. Allele origin: germline.

Ambry Genetics
Classification: Benign for Cardiovascular phenotype. Last evaluated: 2025-10-31. Review status: criteria provided, single submitter. Criteria: Ambry Variant Classification Scheme 2023. Collection method: clinical testing. Allele origin: germline.

Blueprint Genetics
Classification: Likely benign. Last evaluated: 2023-12-08. Review status: criteria provided, single submitter. Criteria: ACMG Guidelines, 2015. Collection method: clinical testing. Allele origin: germline.

Eurofins Ntd Llc (ga)
Classification: Uncertain significance. Last evaluated: 2017-03-07. Review status: criteria provided, single submitter. Criteria: EGL Classification Definitions 2015. Collection method: clinical testing. Allele origin: germline. Observed: 2 variant alleles, 2 heterozygotes.

PreventionGenetics, part of Exact Sciences
Classification: Likely benign for JAG1-related condition. Last evaluated: 2022-02-01. Review status: no assertion criteria provided. Collection method: clinical testing. Allele origin: germline. Not counted in ClinVar's aggregate classification.
Comment: This variant is classified as likely benign based on ACMG/AMP sequence variant interpretation guidelines (Richards et al. 2015 PMID: 25741868, with internal and published modifications).

NM_000214.3(JAG1):c.3280C>T (p.Arg1094Trp)

Gene: JAG1 (jagged canonical Notch ligand 1; minus strand). Cytogenetic location: 20p12.2.
Variant type: single nucleotide variant.
Coding change: c.3280C>T on transcript NM_000214.3 (MANE Select); coding-DNA position 3280, C replaced by T.
Protein change: p.Arg1094Trp; replaces arginine 1094 with tryptophan.
Molecular consequence: missense variant.
Genome position (GRCh38, 1-based): chr20:10,639,875, G>A on the plus strand (C>T on the coding strand, the complement: JAG1 is on the minus strand). VCF-style: chr20-10639875-G-A. GRCh37 (hg19) VCF-style: chr20-10620523-G-A.
Other names: c.3280C>T, p.Arg1094Trp (LRG_1191t1); c.3280C>T (NM_000214.2); short protein forms R1094W.
Identifiers: ClinVar variation 500777 (VCV000500777.17), dbSNP rs75652750, ClinGen allele CA9764237.